The following is an entry in ClinVar:

ClinVar aggregate classification (germline): Uncertain significance (1 of 4 stars; one submission).

Submission:

Labcorp Genetics (formerly Invitae), Labcorp
Classification: Uncertain significance. Last evaluated: 2025-09-09. Review status: criteria provided, single submitter. Criteria: Invitae Variant Classification Sherloc (09022015). Collection method: clinical testing. Allele origin: germline.
Comment: This sequence change replaces glutamic acid, which is acidic and polar, with valine, which is neutral and non-polar, at codon 1047 of the MSH3 protein (p.Glu1047Val). This variant is not present in population databases (gnomAD no frequency). This variant has not been reported in the literature in individuals affected with MSH3-related conditions. An algorithm developed to predict the effect of missense changes on protein structure and function (PolyPhen-2) suggests that this variant is likely to be tolerated. In summary, the available evidence is currently insufficient to determine the role of this variant in disease. Therefore, it has been classified as a Variant of Uncertain Significance.

NM_002439.5(MSH3):c.3140A>T (p.Glu1047Val)

Gene: MSH3 (mutS homolog 3; plus strand). Cytogenetic location: 5q14.1.
Variant type: single nucleotide variant.
Coding change: c.3140A>T on transcript NM_002439.5 (MANE Select); coding-DNA position 3140, A replaced by T.
Protein change: p.Glu1047Val; replaces glutamic acid 1047 with valine.
Molecular consequence: missense variant.
Genome position (GRCh38, 1-based): chr5:80,873,125, A>T. VCF-style: chr5-80873125-A-T. GRCh37 (hg19) VCF-style: chr5-80168944-A-T.
Other names: short protein forms E1047V.
Identifiers: ClinVar variation 4726888 (VCV004726888.1).
Genomic context (GRCh38, chr5:80,873,125, plus strand): 5'-ATTTATTTCAGCTTTCAGGCACAGTTTTGATCTCCTTTCTTTATTTCACAGGCGCAGCAG[A>T]ACAAGTCCCTGATTTTGTCACCTTCCTTTACCAAATAACTAGAGGAATTGCAGCAAGGAG-3'
Protein context (NP_002430.3, residues 1037-1057): DESKLDPGAA[Glu1047Val]QVPDFVTFLY